The following is an entry in ClinVar:

ClinVar aggregate classification (germline): Uncertain significance (1 of 4 stars; one submission).

Allele frequency attached by ClinVar (database versions not stated): gnomAD exomes 0.00001; TOPMed 0.00001; ExAC 0.00002.

Submission:

Labcorp Genetics (formerly Invitae), Labcorp
Classification: Uncertain significance. Last evaluated: 2022-07-19. Review status: criteria provided, single submitter. Criteria: Invitae Variant Classification Sherloc (09022015). Collection method: clinical testing. Allele origin: germline.
Comment: In summary, the available evidence is currently insufficient to determine the role of this variant in disease. Therefore, it has been classified as a Variant of Uncertain Significance. Algorithms developed to predict the effect of missense changes on protein structure and function are either unavailable or do not agree on the potential impact of this missense change (SIFT: "Tolerated"; PolyPhen-2: "Probably Damaging"; Align-GVGD: "Class C0"). ClinVar contains an entry for this variant (Variation ID: 1369218). This variant has not been reported in the literature in individuals affected with TUBGCP6-related conditions. This variant is present in population databases (rs780663486, gnomAD 0.003%). This sequence change replaces proline, which is neutral and non-polar, with serine, which is neutral and polar, at codon 1398 of the TUBGCP6 protein (p.Pro1398Ser).

NM_020461.4(TUBGCP6):c.4192C>T (p.Pro1398Ser)

Gene: TUBGCP6 (tubulin gamma complex component 6; minus strand). Cytogenetic location: 22q13.33.
Variant type: single nucleotide variant.
Coding change: c.4192C>T on transcript NM_020461.4 (MANE Select); coding-DNA position 4192, C replaced by T.
Protein change: p.Pro1398Ser; replaces proline 1398 with serine.
Molecular consequence: missense variant.
Genome position (GRCh38, 1-based): chr22:50,219,767, G>A on the plus strand (C>T on the coding strand, the complement: TUBGCP6 is on the minus strand). VCF-style: chr22-50219767-G-A. GRCh37 (hg19) VCF-style: chr22-50658196-G-A.
Other names: short protein forms P1398S.
Identifiers: ClinVar variation 1369218 (VCV001369218.8), dbSNP rs780663486, ClinGen allele CA10307629.